The following is an entry in ClinVar:

NM_022114.4(PRDM16):c.509A>C (p.Lys170Thr)

Gene: PRDM16 (PR/SET domain 16; plus strand). Cytogenetic location: 1p36.32.
Variant type: single nucleotide variant.
Coding change: c.509A>C on transcript NM_022114.4 (MANE Select); coding-DNA position 509, A replaced by C.
Protein change: p.Lys170Thr; replaces lysine 170 with threonine.
Molecular consequence: missense variant.
Genome position (GRCh38, 1-based): chr1:3,385,222, A>C. VCF-style: chr1-3385222-A-C. GRCh37 (hg19) VCF-style: chr1-3301786-A-C.
Other names: c.509A>C, p.Lys170Thr (NM_199454.3); short protein forms K170T.
Identifiers: ClinVar variation 4710598 (VCV004710598.1).

ClinVar aggregate classification (germline): Uncertain significance (1 of 4 stars; one submission).

Conditions:
Left ventricular noncompaction 8 (LVNC8). Identifiers: Orphanet 154, Orphanet 54260, MedGen C3809288, MONDO:0014152, OMIM 615373.

Submission:

Labcorp Genetics (formerly Invitae), Labcorp
Classification: Uncertain significance for Left ventricular noncompaction 8. Last evaluated: 2025-11-16. Review status: criteria provided, single submitter. Criteria: Invitae Variant Classification Sherloc (09022015). Collection method: clinical testing. Allele origin: germline.
Comment: This sequence change replaces lysine, which is basic and polar, with threonine, which is neutral and polar, at codon 170 of the PRDM16 protein (p.Lys170Thr). This variant is not present in population databases (gnomAD no frequency). This variant has not been reported in the literature in individuals affected with PRDM16-related conditions. An algorithm developed to predict the effect of missense changes on protein structure and function (PolyPhen-2) suggests that this variant is likely to be disruptive. In summary, the available evidence is currently insufficient to determine the role of this variant in disease. Therefore, it has been classified as a Variant of Uncertain Significance.